The following is an entry in ClinVar:

NM_004360.5(CDH1):c.793G>C (p.Glu265Gln)

Gene: CDH1 (cadherin 1; plus strand). Cytogenetic location: 16q22.1.
Variant type: single nucleotide variant.
Coding change: c.793G>C on transcript NM_004360.5 (MANE Select); coding-DNA position 793, G replaced by C.
Protein change: p.Glu265Gln; replaces glutamic acid 265 with glutamine.
Molecular consequence: missense variant. On other transcripts: 5 prime UTR variant (2).
Genome position (GRCh38, 1-based): chr16:68,810,302, G>C. VCF-style: chr16-68810302-G-C. GRCh37 (hg19) VCF-style: chr16-68844205-G-C.
Other names: c.793G>C (LRG_301t1); c.793G>C, p.Glu265Gln (NM_001317184.2); c.-823G>C (NM_001317185.2); c.-1027G>C (NM_001317186.2); short protein forms E265Q.
Identifiers: ClinVar variation 232027 (VCV000232027.26), dbSNP rs876659503, ClinGen allele CA10580092.

ClinVar aggregate classification (germline): Uncertain significance. Review status: criteria provided, multiple submitters, no conflicts (2 of 4 stars). 6 submissions from 6 submitters: Uncertain significance (5). 1 of the submissions does not count toward it. Last evaluated 2025-09-22.

Conditions:
Hereditary cancer-predisposing syndrome. Also called: Hereditary Cancer Syndrome; Neoplastic Syndromes, Hereditary; Tumor predisposition; Hereditary neoplastic syndrome. Identifiers: Orphanet 140162, MedGen C0027672, MeSH D009386, MONDO:0015356.
CDH1-related disorder. Also called: CDH1-related condition.
Hereditary diffuse gastric adenocarcinoma (HDGC). Also called: DIFFUSE GASTRIC AND LOBULAR BREAST CANCER SYNDROME. Identifiers: Orphanet 26106, MedGen C1708349, MONDO:0007648, OMIM 137215.

Allele frequency attached by ClinVar (database versions not stated): TOPMed below 0.00001; gnomAD exomes 0.00001.
gnomAD v4.1: 2 of 1,614,120 alleles (0.00012%); highest among the groups gnomAD compares: South Asian, 0.0011%; no homozygotes.

Submissions (6):

Ambry Genetics
Classification: Uncertain significance for Hereditary cancer-predisposing syndrome. Last evaluated: 2025-09-22. Review status: criteria provided, single submitter. Criteria: Ambry Variant Classification Scheme 2023. Collection method: clinical testing. Allele origin: germline.
Comment: The p.E265Q variant (also known as c.793G>C), located in coding exon 6 of the CDH1 gene, results from a G to C substitution at nucleotide position 793. The glutamic acid at codon 265 is replaced by glutamine, an amino acid with highly similar properties. This variant has been detected in multiple individuals with no reported features of CDH1-related diffuse gastric and lobular breast cancer (Ambry internal data). This amino acid position is poorly conserved in available vertebrate species. In addition, this alteration is predicted to be tolerated by in silico analysis. Based on the available evidence, the clinical significance of this variant remains unclear.

Quest Diagnostics Nichols Institute San Juan Capistrano
Classification: Uncertain significance. Last evaluated: 2025-05-23. Review status: criteria provided, single submitter. Criteria: Quest Diagnostics criteria. Collection method: clinical testing. Allele origin: unknown.
Comment: The CDH1 c.793G>C (p.Glu265Gln) variant has not been reported in individuals with CDH1-related conditions in the published literature. The frequency of this variant in the general population (Genome Aggregation Database) is uninformative in the assessment of its pathogenicity. Analysis of this variant using bioinformatics tools for the prediction of the effect of amino acid changes on protein structure and function yielded predictions that this variant is benign. Based on the available information, we are unable to determine the clinical significance of this variant.

Labcorp Genetics (formerly Invitae), Labcorp
Classification: Uncertain significance for Hereditary diffuse gastric adenocarcinoma. Last evaluated: 2024-02-27. Review status: criteria provided, single submitter. Criteria: Invitae Variant Classification Sherloc (09022015). Collection method: clinical testing. Allele origin: germline.
Comment: This sequence change replaces glutamic acid, which is acidic and polar, with glutamine, which is neutral and polar, at codon 265 of the CDH1 protein (p.Glu265Gln). This variant is present in population databases (no rsID available, gnomAD 0.003%). This variant has not been reported in the literature in individuals affected with CDH1-related conditions. ClinVar contains an entry for this variant (Variation ID: 232027). Algorithms developed to predict the effect of missense changes on protein structure and function output the following: SIFT: "Not Available"; PolyPhen-2: "Benign"; Align-GVGD: "Not Available". The glutamine amino acid residue is found in multiple mammalian species, which suggests that this missense change does not adversely affect protein function. RNA analysis performed to evaluate the impact of this missense change on mRNA splicing indicates it does not significantly alter splicing (Invitae). In summary, the available evidence is currently insufficient to determine the role of this variant in disease. Therefore, it has been classified as a Variant of Uncertain Significance.

Color Diagnostics, LLC DBA Color Health
Classification: Uncertain significance for Hereditary cancer-predisposing syndrome. Last evaluated: 2023-12-05. Review status: criteria provided, single submitter. Criteria: ACMG Guidelines, 2015. Collection method: clinical testing. Allele origin: germline.
Comment: This missense variant replaces glutamic acid with glutamine at codon 265 of the CDH1 protein. To our knowledge, functional studies have not been reported for this variant. This variant has not been reported in individuals affected with hereditary cancer in the literature. This variant has been identified in 2/251452 chromosomes in the general population by the Genome Aggregation Database (gnomAD). The available evidence is insufficient to determine the role of this variant in disease conclusively. Therefore, this variant is classified as a Variant of Uncertain Significance.

GeneDx
Classification: Uncertain significance. Last evaluated: 2016-04-13. Review status: criteria provided, single submitter. Criteria: GeneDx Variant Classification (06012015). Collection method: clinical testing. Allele origin: germline. Affected: yes.
Comment: This variant is denoted CDH1 c.793G>C at the cDNA level, p.Glu265Gln (E265Q) at the protein level, and results in the change of a Glutamic Acid to a Glutamine (GAG>CAG). This variant has not, to our knowledge, been published in the literature as pathogenic or benign. CDH1 Glu265Gln was not observed in approximately 6,500 individuals of European and African American ancestry in the NHLBI Exome Sequencing Project, suggesting it is not a common benign variant in these populations. Since Glutamic Acid and Glutamine differ in some properties, this is considered a semi-conservative amino acid substitution. CDH1 Glu265Gln occurs at a position that is not conserved and is located in the Cadherin-2 domain (Uniprot). In silico analyses predict that this variant is unlikely to alter protein structure or function. Based on currently available evidence, it is unclear whether CDH1 Glu265Gln is a pathogenic or benign variant. We consider it to be a variant of uncertain significance.

PreventionGenetics, part of Exact Sciences
Classification: Uncertain significance for CDH1-related condition. Last evaluated: 2024-03-19. Review status: no assertion criteria provided. Collection method: clinical testing. Allele origin: germline. Not counted in ClinVar's aggregate classification.
Comment: The CDH1 c.793G>C variant is predicted to result in the amino acid substitution p.Glu265Gln. To our knowledge, this variant has not been reported in the literature. This variant is reported in 0.0033% of alleles in individuals of South Asian descent in gnomAD and is reported in ClinVar as uncertain. At this time, the clinical significance of this variant is uncertain due to the absence of conclusive functional and genetic evidence.